The following is an entry in ClinVar:

NM_000059.4(BRCA2):c.6580A>T (p.Ile2194Phe)

Gene: BRCA2 (BRCA2 DNA repair associated; plus strand). Cytogenetic location: 13q13.1.
Variant type: single nucleotide variant.
Coding change: c.6580A>T on transcript NM_000059.4 (MANE Select); coding-DNA position 6580, A replaced by T.
Protein change: p.Ile2194Phe; replaces isoleucine 2194 with phenylalanine.
Molecular consequence: missense variant.
Genome position (GRCh38, 1-based): chr13:32,340,935, A>T. VCF-style: chr13-32340935-A-T. GRCh37 (hg19) VCF-style: chr13-32915072-A-T.
Other names: short protein forms I2194F.
Identifiers: ClinVar variation 1383548 (VCV001383548.9), dbSNP rs1566234950, ClinGen allele CA387789966.

ClinVar aggregate classification (germline): Conflicting classifications of pathogenicity. Review status: criteria provided, conflicting classifications (1 of 4 stars). 2 submissions from 2 submitters: Uncertain significance (1); Likely benign (1). Last evaluated 2023-03-23.

Conditions:
Hereditary cancer-predisposing syndrome. Also called: Tumor predisposition; Neoplastic Syndromes, Hereditary; Hereditary Cancer Syndrome; Hereditary neoplastic syndrome. Identifiers: Orphanet 140162, MedGen C0027672, MeSH D009386, MONDO:0015356.
Hereditary breast ovarian cancer syndrome. Also called: Hereditary breast and ovarian cancer syndrome (HBOC); Breast and ovarian cancer; BRCA1- and BRCA2-Associated Hereditary Breast and Ovarian Cancer; Hereditary breast and ovarian cancer; Hereditary breast and ovarian cancer syndrome; Hereditary breast and/or ovarian cancer syndrome. Identifiers: Orphanet 145, MedGen C0677776, MeSH D061325, MONDO:0003582. Disease mechanism: loss of function.

Submissions (2):

University of Washington Department of Laboratory Medicine, University of Washington
Classification: Likely benign for Hereditary cancer-predisposing syndrome. Last evaluated: 2023-03-23. Review status: criteria provided, single submitter. Criteria: Dines et al. (Genet Med. 2020). Collection method: curation. Allele origin: germline.
Comment: Missense variant in a coldspot region where missense variants are very unlikely to be pathogenic (PMID:31911673).

BRCA2 exon 11 coldspot. Reclassification based on statistical prior probability.

Labcorp Genetics (formerly Invitae), Labcorp
Classification: Uncertain significance for Hereditary breast ovarian cancer syndrome. Last evaluated: 2021-03-31. Review status: criteria provided, single submitter. Criteria: Invitae Variant Classification Sherloc (09022015). Collection method: clinical testing. Allele origin: germline.
Comment: In summary, the available evidence is currently insufficient to determine the role of this variant in disease. Therefore, it has been classified as a Variant of Uncertain Significance. Advanced modeling of protein sequence and biophysical properties (such as structural, functional, and spatial information, amino acid conservation, physicochemical variation, residue mobility, and thermodynamic stability) performed at Invitae indicates that this missense variant is not expected to disrupt BRCA2 protein function. This variant has not been reported in the literature in individuals with BRCA2-related conditions. This variant is not present in population databases (ExAC no frequency). This sequence change replaces isoleucine with phenylalanine at codon 2194 of the BRCA2 protein (p.Ile2194Phe). The isoleucine residue is weakly conserved and there is a small physicochemical difference between isoleucine and phenylalanine.